The following is an entry in ClinVar:

NM_012233.3(RAB3GAP1):c.394C>T (p.Pro132Ser)

Gene: RAB3GAP1 (RAB3 GTPase activating protein catalytic subunit 1; plus strand). Cytogenetic location: 2q21.3.
Variant type: single nucleotide variant.
Coding change: c.394C>T on transcript NM_012233.3 (MANE Select); coding-DNA position 394, C replaced by T.
Protein change: p.Pro132Ser; replaces proline 132 with serine.
Molecular consequence: missense variant.
Genome position (GRCh38, 1-based): chr2:135,113,182, C>T. VCF-style: chr2-135113182-C-T. GRCh37 (hg19) VCF-style: chr2-135870752-C-T.
Other names: c.394C>T, p.Pro132Ser (NM_001172435.2); short protein forms P132S.
Identifiers: ClinVar variation 1898744 (VCV001898744.5), dbSNP rs768154592, ClinGen allele CA1884523.

ClinVar aggregate classification (germline): Uncertain significance (1 of 4 stars; one submission).

Allele frequency attached by ClinVar (database versions not stated): gnomAD 0.00001.
gnomAD v4.1: 7 of 1,613,896 alleles (0.00043%); highest among the groups gnomAD compares: Admixed American, 0.012%; no homozygotes.

Submission:

Labcorp Genetics (formerly Invitae), Labcorp
Classification: Uncertain significance. Last evaluated: 2022-08-08. Review status: criteria provided, single submitter. Criteria: Invitae Variant Classification Sherloc (09022015). Collection method: clinical testing. Allele origin: germline.
Comment: In summary, the available evidence is currently insufficient to determine the role of this variant in disease. Therefore, it has been classified as a Variant of Uncertain Significance. Algorithms developed to predict the effect of missense changes on protein structure and function are either unavailable or do not agree on the potential impact of this missense change (SIFT: "Deleterious"; PolyPhen-2: "Probably Damaging"; Align-GVGD: "Class C0"). This variant has not been reported in the literature in individuals affected with RAB3GAP1-related conditions. This variant is present in population databases (rs768154592, gnomAD 0.02%). This sequence change replaces proline, which is neutral and non-polar, with serine, which is neutral and polar, at codon 132 of the RAB3GAP1 protein (p.Pro132Ser).